The following is an entry in ClinVar:

ClinVar aggregate classification (germline): Uncertain significance. Review status: criteria provided, multiple submitters, no conflicts (2 of 4 stars). 2 submissions from 2 submitters: Uncertain significance (2). Last evaluated 2024-06-09.

Allele frequency attached by ClinVar (database versions not stated): gnomAD exomes below 0.00001.
gnomAD v4.1: 1 of 1,614,062 alleles (0.000062%); highest among the groups gnomAD compares: Non-Finnish European, 0.000085%; no homozygotes.

Submissions (2):

Labcorp Genetics (formerly Invitae), Labcorp
Classification: Uncertain significance. Last evaluated: 2024-06-09. Review status: criteria provided, single submitter. Criteria: Invitae Variant Classification Sherloc (09022015). Collection method: clinical testing. Allele origin: germline.
Comment: This sequence change creates a premature translational stop signal (p.Arg249*) in the CACNA1D gene. It is expected to result in an absent or disrupted protein product. However, the current clinical and genetic evidence is not sufficient to establish whether loss-of-function variants in CACNA1D cause disease. This variant is not present in population databases (gnomAD no frequency). This variant has not been reported in the literature in individuals affected with CACNA1D-related conditions. ClinVar contains an entry for this variant (Variation ID: 2574555). Algorithms developed to predict the effect of sequence changes on RNA splicing suggest that this variant may disrupt the consensus splice site. In summary, the available evidence is currently insufficient to determine the role of this variant in disease. Therefore, it has been classified as a Variant of Uncertain Significance.

GeneDx
Classification: Uncertain significance. Last evaluated: 2024-04-23. Review status: criteria provided, single submitter. Criteria: GeneDx Variant Classification Process June 2021. Collection method: clinical testing. Allele origin: germline. Affected: yes.
Comment: Nonsense variant predicted to result in protein truncation or nonsense mediated decay in a gene or region of a gene for which loss of function is not a well-established mechanism of disease; Not observed at significant frequency in large population cohorts (gnomAD); Has not been previously published as pathogenic or benign to our knowledge

NM_001128840.3(CACNA1D):c.745C>T (p.Arg249Ter)

Gene: CACNA1D (calcium voltage-gated channel subunit alpha1 D; plus strand). Cytogenetic location: 3p21.1.
Variant type: single nucleotide variant.
Coding change: c.745C>T on transcript NM_001128840.3 (MANE Select); coding-DNA position 745, C replaced by T.
Protein change: p.Arg249Ter; replaces arginine 249 with a stop codon.
Molecular consequence: nonsense.
Genome position (GRCh38, 1-based): chr3:53,660,254, C>T. VCF-style: chr3-53660254-C-T. GRCh37 (hg19) VCF-style: chr3-53694281-C-T.
Other names: c.745C>T, p.Arg249Ter (NM_000720.4, NM_001128839.3); short protein forms R249*.
Identifiers: ClinVar variation 2574555 (VCV002574555.4), dbSNP rs2472957766, ClinGen allele CA353382752.
Genomic context (GRCh38, chr3:53,660,254, plus strand): 5'-GGCAAATCTGGAGGCTTTGATGTCAAAGCCCTCCGTGCCTTTCGAGTGTTGCGACCACTT[C>T]GACTAGTGTCAGGAGTGCCCAGTAAGCACTTATTGTTTCCTAGAGTCAGGAGTGTGCTGG-3'